The following is an entry in ClinVar:

NM_000237.3(LPL):c.1173C>A (p.Phe391Leu)

Gene: LPL (lipoprotein lipase; plus strand). Cytogenetic location: 8p21.3.
Variant type: single nucleotide variant.
Coding change: c.1173C>A on transcript NM_000237.3 (MANE Select); coding-DNA position 1173, C replaced by A.
Protein change: p.Phe391Leu; replaces phenylalanine 391 with leucine.
Molecular consequence: missense variant.
Genome position (GRCh38, 1-based): chr8:19,960,934, C>A. VCF-style: chr8-19960934-C-A. GRCh37 (hg19) VCF-style: chr8-19818445-C-A.
Other names: short protein forms F391L.
Identifiers: ClinVar variation 5023640 (VCV005023640.1).

ClinVar aggregate classification (germline): Uncertain significance (1 of 4 stars; one submission).

Conditions:
Cardiovascular phenotype. Identifiers: MedGen CN230736.

gnomAD v4.1: 2 of 1,614,000 alleles (0.00012%); highest among the groups gnomAD compares: Admixed American, 0.0033%; no homozygotes.

Submission:

Ambry Genetics
Classification: Uncertain significance for Cardiovascular phenotype. Last evaluated: 2026-06-21. Review status: criteria provided, single submitter. Criteria: Ambry Variant Classification Scheme 2023. Collection method: clinical testing. Allele origin: germline.
Comment: The p.F391L variant (also known as c.1173C>A), located in coding exon 8 of the LPL gene, results from a C to A substitution at nucleotide position 1173. The phenylalanine at codon 391 is replaced by leucine, an amino acid with highly similar properties. This amino acid position is conserved. In addition, the in silico prediction for this alteration is inconclusive. Based on the available evidence, the clinical significance of this variant remains unclear.